The following is an entry in ClinVar:

NM_001365951.3(KIF1B):c.3469A>C (p.Asn1157His)

Gene: KIF1B (kinesin family member 1B; plus strand). Cytogenetic location: 1p36.22.
Variant type: single nucleotide variant.
Coding change: c.3469A>C on transcript NM_001365951.3 (MANE Select); coding-DNA position 3469, A replaced by C.
Protein change: p.Asn1157His; replaces asparagine 1157 with histidine.
Molecular consequence: missense variant.
Genome position (GRCh38, 1-based): chr1:10,339,815, A>C. VCF-style: chr1-10339815-A-C. GRCh37 (hg19) VCF-style: chr1-10399873-A-C.
Other names: c.3469A>C, p.Asn1157His (NM_001365952.1); c.3331A>C, p.Asn1111His (NM_015074.3); short protein forms N1111H, N1157H.
Identifiers: ClinVar variation 3864097 (VCV003864097.1).

ClinVar aggregate classification (germline): Uncertain significance (1 of 4 stars; one submission).

Submission:

Ambry Genetics
Classification: Uncertain significance. Last evaluated: 2025-02-12. Review status: criteria provided, single submitter. Criteria: Ambry Variant Classification Scheme 2023. Collection method: clinical testing. Allele origin: germline.
Comment: The p.N1111H variant (also known as c.3331A>C), located in coding exon 29 of the KIF1B gene, results from an A to C substitution at nucleotide position 3331. The asparagine at codon 1111 is replaced by histidine, an amino acid with similar properties. This amino acid position is conserved. In addition, the in silico prediction for this alteration is inconclusive. Based on the available evidence, the clinical significance of this variant remains unclear.